The following is an entry in ClinVar:

ClinVar aggregate classification (germline): Uncertain significance (1 of 4 stars; one submission).

Submission:

CeGaT Center for Human Genetics Tuebingen
Classification: Uncertain significance. Last evaluated: 2025-12-01. Review status: criteria provided, single submitter. Criteria: CeGaT Center For Human Genetics Tuebingen Variant Classification Criteria Version 2. Collection method: clinical testing. Allele origin: germline. Affected: yes. Observed: 1 variant allele.
Comment: ADNP: PM2

NM_001282531.3(ADNP):c.-130T>G

Gene: ADNP (activity dependent neuroprotector homeobox; minus strand). Cytogenetic location: 20q13.13.
Variant type: single nucleotide variant.
Coding change: c.-130T>G on transcript NM_001282531.3 (MANE Select); 130 bases upstream of the start codon, T replaced by G.
Molecular consequence: 5 prime UTR variant. On other transcripts: missense variant (1), intron variant (3).
Genome position (GRCh38, 1-based): chr20:50,928,691, A>C on the plus strand (T>G on the coding strand, the complement: ADNP is on the minus strand). VCF-style: chr20-50928691-A-C. GRCh37 (hg19) VCF-style: chr20-49545228-A-C.
Other names: c.128T>G, p.Phe43Cys (NM_001439000.1); c.-46T>G (NM_015339.5); c.-577+2135T>G (NM_001439001.1); c.-6+2135T>G (NM_181442.4); c.-90+2135T>G (NM_001347511.2); short protein forms F43C.
Identifiers: ClinVar variation 4681667 (VCV004681667.5).